The following is an entry in ClinVar:

ClinVar aggregate classification (germline): Uncertain significance. Review status: criteria provided, multiple submitters, no conflicts (2 of 4 stars). 2 submissions from 2 submitters: Uncertain significance (2). Last evaluated 2025-03-01.

Conditions:
Developmental and epileptic encephalopathy, 53. Also called: Epileptic encephalopathy, early infantile, 53. Identifiers: MedGen C4479313, MONDO:0033362, OMIM 617389.
Early-onset Parkinson disease 20. Also called: PARKINSON DISEASE 20, AUTOSOMAL RECESSIVE EARLY-ONSET. Identifiers: Orphanet 391411, MedGen C3809824, MONDO:0014233, OMIM 615530.

Allele frequency attached by ClinVar (database versions not stated): ExAC 0.00002; gnomAD exomes 0.00004 and 0.00010; ESP Exome Variant Server 0.00008; TOPMed 0.00008; gnomAD 0.00011.
gnomAD v4.1: 162 of 1,607,284 alleles (0.01%); highest among the groups gnomAD compares: Non-Finnish European, 0.013%; no homozygotes.

Submissions (2):

GeneDx
Classification: Uncertain significance. Last evaluated: 2025-03-01. Review status: criteria provided, single submitter. Criteria: GeneDx Variant Classification Process June 2021. Collection method: clinical testing. Allele origin: germline. Affected: yes.
Comment: Not observed at significant frequency in large population cohorts (gnomAD); In silico analysis indicates that this missense variant does not alter protein structure/function; Has not been previously published as pathogenic or benign to our knowledge

Labcorp Genetics (formerly Invitae), Labcorp
Classification: Uncertain significance for Developmental and epileptic encephalopathy, 53; Early-onset Parkinson disease 20. Last evaluated: 2022-10-25. Review status: criteria provided, single submitter. Criteria: Invitae Variant Classification Sherloc (09022015). Collection method: clinical testing. Allele origin: germline.
Comment: This sequence change replaces proline, which is neutral and non-polar, with serine, which is neutral and polar, at codon 1174 of the SYNJ1 protein (p.Pro1174Ser). This variant is present in population databases (rs151126056, gnomAD 0.01%). This variant has not been reported in the literature in individuals affected with SYNJ1-related conditions. ClinVar contains an entry for this variant (Variation ID: 843708). Algorithms developed to predict the effect of missense changes on protein structure and function are either unavailable or do not agree on the potential impact of this missense change (SIFT: "Deleterious"; PolyPhen-2: "Probably Damaging"; Align-GVGD: "Class C0"). In summary, the available evidence is currently insufficient to determine the role of this variant in disease. Therefore, it has been classified as a Variant of Uncertain Significance.

NM_203446.3(SYNJ1):c.3403C>T (p.Pro1135Ser)

Gene: SYNJ1 (synaptojanin 1; minus strand). Cytogenetic location: 21q22.11.
Variant type: single nucleotide variant.
Coding change: c.3403C>T on transcript NM_203446.3 (MANE Select); coding-DNA position 3403, C replaced by T.
Protein change: p.Pro1135Ser; replaces proline 1135 with serine.
Molecular consequence: missense variant. On other transcripts: intron variant (1).
Genome position (GRCh38, 1-based): chr21:32,644,995, G>A on the plus strand (C>T on the coding strand, the complement: SYNJ1 is on the minus strand). VCF-style: chr21-32644995-G-A. GRCh37 (hg19) VCF-style: chr21-34017305-G-A.
Other names: c.3403C>T, p.Pro1135Ser (NM_001160302.2); c.3520C>T, p.Pro1174Ser (NM_003895.4); c.3376+651C>T (NM_001160306.2); short protein forms P1174S, P1135S.
Identifiers: ClinVar variation 843708 (VCV000843708.8), dbSNP rs151126056, ClinGen allele CA10003419.